The following is an entry in ClinVar:

ClinVar aggregate classification (germline): Likely benign. Review status: criteria provided, multiple submitters, no conflicts (2 of 4 stars). 3 submissions from 3 submitters: Likely benign (3). Last evaluated 2026-05-11.

Conditions:
Hereditary cancer-predisposing syndrome. Also called: Neoplastic Syndromes, Hereditary; Hereditary Cancer Syndrome; Tumor predisposition; Hereditary neoplastic syndrome. Identifiers: Orphanet 140162, MedGen C0027672, MeSH D009386, MONDO:0015356.
PTCH1-related disorder. Also called: PTCH1-related disorders; PTCH1-related condition.
Gorlin syndrome. Also called: Basal cell nevus syndrome; Nevoid Basal Cell Carcinoma Syndrome. Identifiers: Orphanet 377, MedGen C0004779, MONDO:0007187.

Allele frequency attached by ClinVar (database versions not stated): gnomAD exomes below 0.00001; ExAC 0.00001; gnomAD 0.00001; TOPMed 0.00001; 1000 Genomes Project 30x 0.00016; 1000 Genomes Project 0.00020.
gnomAD v4.1: 2 of 1,608,180 alleles (0.00012%); highest among the groups gnomAD compares: African/African-American, 0.0027%; no homozygotes.

Submissions (3):

PreventionGenetics, part of Exact Sciences
Classification: Likely benign for PTCH1-related condition. Last evaluated: 2026-05-11. Review status: criteria provided, single submitter. Criteria: ACMG Guidelines, 2015. Collection method: clinical testing. Allele origin: germline.
Comment: This variant is classified as likely benign based on ACMG/AMP sequence variant interpretation guidelines (Richards et al. 2015 PMID: 25741868, with internal and published modifications).

Labcorp Genetics (formerly Invitae), Labcorp
Classification: Likely benign for Gorlin syndrome. Last evaluated: 2025-06-05. Review status: criteria provided, single submitter. Criteria: Invitae Variant Classification Sherloc (09022015). Collection method: clinical testing. Allele origin: germline.

Ambry Genetics
Classification: Likely benign for Hereditary cancer-predisposing syndrome. Last evaluated: 2019-08-14. Review status: criteria provided, single submitter. Criteria: Ambry Variant Classification Scheme 2023. Collection method: clinical testing. Allele origin: germline.

NM_000264.5(PTCH1):c.3852G>A (p.Gln1284=)

Gene: PTCH1 (patched 1; minus strand). Cytogenetic location: 9q22.32.
Variant type: single nucleotide variant.
Coding change: c.3852G>A on transcript NM_000264.5 (MANE Select); coding-DNA position 3852, G replaced by A.
Protein change: p.Gln1284=; no amino-acid change (glutamine 1284 retained).
Molecular consequence: synonymous variant. On other transcripts: non-coding transcript variant (1).
Genome position (GRCh38, 1-based): chr9:95,447,404, C>T on the plus strand (G>A on the coding strand, the complement: PTCH1 is on the minus strand). VCF-style: chr9-95447404-C-T. GRCh37 (hg19) VCF-style: chr9-98209686-C-T.
Other names: c.3654G>A, p.Gln1218= (NM_001083602.3); c.3849G>A, p.Gln1283= (NM_001083603.3); c.3399G>A, p.Gln1133= (NM_001083604.3, NM_001083605.3, NM_001083606.3 and 1 more transcripts); c.3696G>A, p.Gln1232= (NM_001354918.2).
Identifiers: ClinVar variation 824303 (VCV000824303.14), dbSNP rs530952447, ClinGen allele CA5138022.